The following is an entry in ClinVar:

NM_001184.4(ATR):c.5947T>C (p.Cys1983Arg)

Gene: ATR (ATR checkpoint kinase; minus strand). Cytogenetic location: 3q23.
Variant type: single nucleotide variant.
Coding change: c.5947T>C on transcript NM_001184.4 (MANE Select); coding-DNA position 5947, T replaced by C.
Protein change: p.Cys1983Arg; replaces cysteine 1983 with arginine.
Molecular consequence: missense variant.
Genome position (GRCh38, 1-based): chr3:142,493,263, A>G on the plus strand (T>C on the coding strand, the complement: ATR is on the minus strand). VCF-style: chr3-142493263-A-G. GRCh37 (hg19) VCF-style: chr3-142212105-A-G.
Other names: c.5755T>C, p.Cys1919Arg (NM_001354579.2); short protein forms C1983R, C1919R.
Identifiers: ClinVar variation 1518871 (VCV001518871.10), dbSNP rs2108326114, ClinGen allele CA354811750.

ClinVar aggregate classification (germline): Uncertain significance. Review status: criteria provided, multiple submitters, no conflicts (2 of 4 stars). 4 submissions from 3 submitters: Uncertain significance (4). Last evaluated 2023-02-08.

Conditions:
Familial cutaneous telangiectasia and oropharyngeal predisposition cancer syndrome. Identifiers: Orphanet 313846, MedGen C3281203, MONDO:0013806, OMIM 614564.
Seckel syndrome 1 (SCKL1). Also called: MICROCEPHALIC PRIMORDIAL DWARFISM I. Identifiers: Orphanet 808, MedGen C4551474, MONDO:0008869, OMIM 210600.
Inborn genetic diseases. Identifiers: MedGen C0950123, MeSH D030342.

Submissions (4):

Genome-Nilou Lab
Classification: Uncertain significance for Seckel syndrome 1. Last evaluated: 2023-02-08. Review status: criteria provided, single submitter. Criteria: ACMG Guidelines, 2015. Collection method: clinical testing. Allele origin: germline.

Genome-Nilou Lab
Classification: Uncertain significance for Familial cutaneous telangiectasia and oropharyngeal predisposition cancer syndrome. Last evaluated: 2023-02-08. Review status: criteria provided, single submitter. Criteria: ACMG Guidelines, 2015. Collection method: clinical testing. Allele origin: germline.

Ambry Genetics
Classification: Uncertain significance for Inborn genetic diseases. Last evaluated: 2021-07-31. Review status: criteria provided, single submitter. Criteria: Ambry Variant Classification Scheme 2023. Collection method: clinical testing. Allele origin: germline.
Comment: The p.C1983R variant (also known as c.5947T>C), located in coding exon 35 of the ATR gene, results from a T to C substitution at nucleotide position 5947. The cysteine at codon 1983 is replaced by arginine, an amino acid with highly dissimilar properties. This amino acid position is conserved. In addition, this alteration is predicted to be tolerated by in silico analysis. Since supporting evidence is limited at this time, the clinical significance of this alteration remains unclear.

Labcorp Genetics (formerly Invitae), Labcorp
Classification: Uncertain significance. Last evaluated: 2021-05-13. Review status: criteria provided, single submitter. Criteria: Invitae Variant Classification Sherloc (09022015). Collection method: clinical testing. Allele origin: germline.
Comment: This sequence change replaces cysteine with arginine at codon 1983 of the ATR protein (p.Cys1983Arg). The cysteine residue is moderately conserved and there is a large physicochemical difference between cysteine and arginine. This variant is not present in population databases (ExAC no frequency). This variant has not been reported in the literature in individuals with ATR-related conditions. Algorithms developed to predict the effect of missense changes on protein structure and function are either unavailable or do not agree on the potential impact of this missense change (SIFT: "Tolerated"; PolyPhen-2: "Possibly Damaging"; Align-GVGD: "Class C0"). In summary, the available evidence is currently insufficient to determine the role of this variant in disease. Therefore, it has been classified as a Variant of Uncertain Significance.